The following is an entry in ClinVar:

NM_025216.3(WNT10A):c.1204G>A (p.Val402Met)

Gene: WNT10A (Wnt family member 10A; plus strand). Cytogenetic location: 2q35.
Variant type: single nucleotide variant.
Coding change: c.1204G>A on transcript NM_025216.3 (MANE Select); coding-DNA position 1204, G replaced by A.
Protein change: p.Val402Met; replaces valine 402 with methionine.
Molecular consequence: missense variant.
Genome position (GRCh38, 1-based): chr2:218,893,221, G>A. VCF-style: chr2-218893221-G-A. GRCh37 (hg19) VCF-style: chr2-219757943-G-A.
Other names: short protein forms V402M.
Identifiers: ClinVar variation 2419545 (VCV002419545.7), dbSNP rs2469038243, ClinGen allele CA350592543.

ClinVar aggregate classification (germline): Uncertain significance (1 of 4 stars; one submission).

Conditions:
Tooth agenesis, selective, 4 (STHAG4). Also called: LATERAL INCISORS, ABSENCE OF; LATERAL INCISORS, PEGGED OR MISSING; SUCCEDANEOUS TEETH, AGENESIS OF; TOOTH AGENESIS, SELECTIVE, 4, WITH OR WITHOUT ECTODERMAL DYSPLASIA. Identifiers: Orphanet 99798, MedGen C1835492, MONDO:0007881, OMIM 150400. Disease mechanism: loss of function.
Odonto-onycho-dermal dysplasia. Identifiers: Orphanet 2721, MedGen C0796093, MONDO:0009773, OMIM 257980.

Allele frequency attached by ClinVar (database versions not stated): gnomAD exomes 0.00001.

Submission:

Labcorp Genetics (formerly Invitae), Labcorp
Classification: Uncertain significance for Tooth agenesis, selective, 4; Odonto-onycho-dermal dysplasia. Last evaluated: 2024-12-12. Review status: criteria provided, single submitter. Criteria: Invitae Variant Classification Sherloc (09022015). Collection method: clinical testing. Allele origin: germline.
Comment: This sequence change replaces valine, which is neutral and non-polar, with methionine, which is neutral and non-polar, at codon 402 of the WNT10A protein (p.Val402Met). This variant is not present in population databases (gnomAD no frequency). This variant has not been reported in the literature in individuals affected with WNT10A-related conditions. ClinVar contains an entry for this variant (Variation ID: 2419545). Invitae Evidence Modeling of protein sequence and biophysical properties (such as structural, functional, and spatial information, amino acid conservation, physicochemical variation, residue mobility, and thermodynamic stability) indicates that this missense variant is expected to disrupt WNT10A protein function with a positive predictive value of 80%. In summary, the available evidence is currently insufficient to determine the role of this variant in disease. Therefore, it has been classified as a Variant of Uncertain Significance.